The following is an entry in ClinVar:

NM_001854.4(COL11A1):c.487A>G (p.Lys163Glu)

Gene: COL11A1 (collagen type XI alpha 1 chain; minus strand). Cytogenetic location: 1p21.1.
Variant type: single nucleotide variant.
Coding change: c.487A>G on transcript NM_001854.4 (MANE Select); coding-DNA position 487, A replaced by G.
Protein change: p.Lys163Glu; replaces lysine 163 with glutamic acid.
Molecular consequence: missense variant. On other transcripts: non-coding transcript variant (1).
Genome position (GRCh38, 1-based): chr1:103,078,659, T>C on the plus strand (A>G on the coding strand, the complement: COL11A1 is on the minus strand). VCF-style: chr1-103078659-T-C. GRCh37 (hg19) VCF-style: chr1-103544215-T-C.
Other names: c.487A>G, p.Lys163Glu (NM_001168249.1, NM_001190709.2, NM_080629.3 and 1 more transcripts); c.487A>G (NM_001854.3); short protein forms K163E.
Identifiers: ClinVar variation 1933603 (VCV001933603.6), dbSNP rs1445138450, ClinGen allele CA341167528.

ClinVar aggregate classification (germline): Uncertain significance. Review status: criteria provided, multiple submitters, no conflicts (2 of 4 stars). 2 submissions from 2 submitters: Uncertain significance (2). Last evaluated 2025-04-09.

Allele frequency attached by ClinVar (database versions not stated): gnomAD exomes below 0.00001; TOPMed below 0.00001; gnomAD 0.00001.
gnomAD v4.1: 5 of 1,612,694 alleles (0.00031%); highest among the groups gnomAD compares: Non-Finnish European, 0.00042%; no homozygotes.

Submissions (2):

GeneDx
Classification: Uncertain significance. Last evaluated: 2025-04-09. Review status: criteria provided, single submitter. Criteria: GeneDx Variant Classification Process June 2021. Collection method: clinical testing. Allele origin: germline. Affected: yes.
Comment: Not observed at significant frequency in large population cohorts (gnomAD); In silico analysis supports that this missense variant has a deleterious effect on protein structure/function; Has not been previously published as pathogenic or benign to our knowledge; Not located in the triple helical region, where the majority of pathogenic missense variants occur (PMID: 25240749); This variant is associated with the following publications: (PMID: 25240749)

Labcorp Genetics (formerly Invitae), Labcorp
Classification: Uncertain significance. Last evaluated: 2022-07-01. Review status: criteria provided, single submitter. Criteria: Invitae Variant Classification Sherloc (09022015). Collection method: clinical testing. Allele origin: germline.
Comment: This sequence change replaces lysine, which is basic and polar, with glutamic acid, which is acidic and polar, at codon 163 of the COL11A1 protein (p.Lys163Glu). In summary, the available evidence is currently insufficient to determine the role of this variant in disease. Therefore, it has been classified as a Variant of Uncertain Significance. Algorithms developed to predict the effect of missense changes on protein structure and function (SIFT, PolyPhen-2, Align-GVGD) all suggest that this variant is likely to be disruptive. This variant has not been reported in the literature in individuals affected with COL11A1-related conditions. This variant is present in population databases (no rsID available, gnomAD 0.0009%).